The following is an entry in ClinVar:

NM_007055.4(POLR3A):c.3517G>C (p.Val1173Leu)

Gene: POLR3A (RNA polymerase III subunit A; minus strand). Cytogenetic location: 10q22.3.
Variant type: single nucleotide variant.
Coding change: c.3517G>C on transcript NM_007055.4 (MANE Select); coding-DNA position 3517, G replaced by C.
Protein change: p.Val1173Leu; replaces valine 1173 with leucine.
Molecular consequence: missense variant.
Genome position (GRCh38, 1-based): chr10:77,982,730, C>G on the plus strand (G>C on the coding strand, the complement: POLR3A is on the minus strand). VCF-style: chr10-77982730-C-G. GRCh37 (hg19) VCF-style: chr10-79742488-C-G.
Other names: short protein forms V1173L.
Identifiers: ClinVar variation 4740815 (VCV004740815.1).

ClinVar aggregate classification (germline): Uncertain significance (1 of 4 stars; one submission).

Submission:

Labcorp Genetics (formerly Invitae), Labcorp
Classification: Uncertain significance. Last evaluated: 2025-10-07. Review status: criteria provided, single submitter. Criteria: Invitae Variant Classification Sherloc (09022015). Collection method: clinical testing. Allele origin: germline.
Comment: This sequence change replaces valine, which is neutral and non-polar, with leucine, which is neutral and non-polar, at codon 1173 of the POLR3A protein (p.Val1173Leu). This variant is not present in population databases (gnomAD no frequency). This variant has not been reported in the literature in individuals affected with POLR3A-related conditions. Invitae Evidence Modeling of protein sequence and biophysical properties (such as structural, functional, and spatial information, amino acid conservation, physicochemical variation, residue mobility, and thermodynamic stability) indicates that this missense variant is not expected to disrupt POLR3A protein function with a negative predictive value of 80%. In summary, the available evidence is currently insufficient to determine the role of this variant in disease. Therefore, it has been classified as a Variant of Uncertain Significance.